The following is an entry in ClinVar:

ClinVar aggregate classification (germline): Uncertain significance. Review status: criteria provided, multiple submitters, no conflicts (2 of 4 stars). 4 submissions from 4 submitters: Uncertain significance (3). 1 of the submissions does not count toward it. Last evaluated 2026-07-01.

Conditions:
Episodic ataxia type 2 (EA2). Also called: CEREBELLAR ATAXIA, PAROXYSMAL, ACETAZOLAMIDE-RESPONSIVE; CEREBELLOPATHY, HEREDITARY PAROXYSMAL; EPISODIC ATAXIA, NYSTAGMUS-ASSOCIATED; ACETAZOLAMIDE-RESPONSIVE HEREDITARY PAROXYSMAL CEREBELLAR ATAXIA; ATAXIA, EPISODIC, WITH NYSTAGMUS; ATAXIA, FAMILIAL PAROXYSMAL. Identifiers: Orphanet 97, MedGen C1720416, MONDO:0007163, OMIM 108500.
Developmental and epileptic encephalopathy, 42 (DEE42A). Also called: Epileptic encephalopathy, early infantile, 42; DEVELOPMENTAL AND EPILEPTIC ENCEPHALOPATHY 42A; EPILEPTIC ENCEPHALOPATHY, EARLY INFANTILE, 42A. Identifiers: MedGen C4310716, MONDO:0014917, OMIM 617106.

Allele frequency attached by ClinVar (database versions not stated): ExAC 0.00001; gnomAD exomes 0.00001; TOPMed 0.00002; gnomAD 0.00003.
gnomAD v4.1: 7 of 1,613,936 alleles (0.00043%); highest among the groups gnomAD compares: Admixed American, 0.0017%; no homozygotes.

Submissions (4):

CeGaT Center for Human Genetics Tuebingen
Classification: Uncertain significance. Last evaluated: 2026-07-01. Review status: criteria provided, single submitter. Criteria: CeGaT Center For Human Genetics Tuebingen Variant Classification Criteria Version 2. Collection method: clinical testing. Allele origin: germline. Affected: yes. Observed: 1 variant allele.
Comment: CACNA1A: PM2, PP2

Labcorp Genetics (formerly Invitae), Labcorp
Classification: Uncertain significance for Developmental and epileptic encephalopathy, 42; Episodic ataxia type 2. Last evaluated: 2025-08-20. Review status: criteria provided, single submitter. Criteria: Invitae Variant Classification Sherloc (09022015). Collection method: clinical testing. Allele origin: germline.
Comment: This sequence change replaces alanine, which is neutral and non-polar, with threonine, which is neutral and polar, at codon 1263 of the CACNA1A protein (p.Ala1263Thr). This variant is present in population databases (rs776503550, gnomAD 0.004%). This missense change has been observed in individual(s) with CACNA1A-related conditions (internal data). ClinVar contains an entry for this variant (Variation ID: 566696). Invitae Evidence Modeling of protein sequence and biophysical properties (such as structural, functional, and spatial information, amino acid conservation, physicochemical variation, residue mobility, and thermodynamic stability) indicates that this missense variant is expected to disrupt CACNA1A protein function with a positive predictive value of 80%. In summary, the available evidence is currently insufficient to determine the role of this variant in disease. Therefore, it has been classified as a Variant of Uncertain Significance.

GeneDx
Classification: Uncertain significance. Last evaluated: 2021-06-29. Review status: criteria provided, single submitter. Criteria: GeneDx Variant Classification Process June 2021. Collection method: clinical testing. Allele origin: germline. Affected: yes.
Comment: Observed in an individual with ataxia, however, additional detailed clinical information was not provided (Coutelier et al., 2017); In silico analysis, which includes protein predictors and evolutionary conservation, supports a deleterious effect; This variant is associated with the following publications: (PMID: 27535533, 28444220)

Clinical Genetics Laboratory, University Hospital Schleswig-Holstein
Classification: Uncertain significance for Developmental and epileptic encephalopathy, 42. Last evaluated: 2021-10-14. Review status: no assertion criteria provided. Collection method: clinical testing. Allele origin: germline. Affected: yes. Not counted in ClinVar's aggregate classification.

NM_001127222.2(CACNA1A):c.3784G>A (p.Ala1262Thr)

Gene: CACNA1A (calcium voltage-gated channel subunit alpha1 A; minus strand). Cytogenetic location: 19p13.13.
Variant type: single nucleotide variant.
Coding change: c.3784G>A on transcript NM_001127222.2 (MANE Select); coding-DNA position 3784, G replaced by A.
Protein change: p.Ala1262Thr; replaces alanine 1262 with threonine.
Molecular consequence: missense variant.
Genome position (GRCh38, 1-based): chr19:13,283,305, C>T on the plus strand (G>A on the coding strand, the complement: CACNA1A is on the minus strand). VCF-style: chr19-13283305-C-T. GRCh37 (hg19) VCF-style: chr19-13394119-C-T.
Other names: c.3796G>A, p.Ala1266Thr (NM_000068.4, NM_023035.3); c.3787G>A, p.Ala1263Thr (NM_001127221.2, NM_001174080.2); short protein forms A1263T, A1266T, A1262T.
Identifiers: ClinVar variation 566696 (VCV000566696.12), dbSNP rs776503550, ClinGen allele CA9240198.